The following is an entry in ClinVar:

ClinVar aggregate classification (germline): Uncertain significance. Review status: criteria provided, multiple submitters, no conflicts (2 of 4 stars). 2 submissions from 2 submitters: Uncertain significance (2). Last evaluated 2025-11-03.

Conditions:
Occipital pachygyria and polymicrogyria. Identifiers: Orphanet 280640, MedGen C3279875, MONDO:0013583, OMIM 614115.

Allele frequency attached by ClinVar (database versions not stated): ExAC 0.00002; gnomAD exomes 0.00002 and 0.00003; gnomAD 0.00003 and 0.00004; TOPMed 0.00005.
gnomAD v4.1: 58 of 1,613,870 alleles (0.0036%); highest among the groups gnomAD compares: Middle Eastern, 0.082%; no homozygotes.

Submissions (2):

Labcorp Genetics (formerly Invitae), Labcorp
Classification: Uncertain significance. Last evaluated: 2025-11-03. Review status: criteria provided, single submitter. Criteria: Invitae Variant Classification Sherloc (09022015). Collection method: clinical testing. Allele origin: germline.
Comment: This sequence change replaces arginine, which is basic and polar, with tryptophan, which is neutral and slightly polar, at codon 1351 of the LAMC3 protein (p.Arg1351Trp). This variant is present in population databases (rs749904181, gnomAD 0.004%). This variant has not been reported in the literature in individuals affected with LAMC3-related conditions. ClinVar contains an entry for this variant (Variation ID: 1520992). An algorithm developed to predict the effect of missense changes on protein structure and function (PolyPhen-2) suggests that this variant is likely to be tolerated. In summary, the available evidence is currently insufficient to determine the role of this variant in disease. Therefore, it has been classified as a Variant of Uncertain Significance.

Illumina Laboratory Services, Illumina
Classification: Uncertain significance for Occipital pachygyria and polymicrogyria. Last evaluated: 2018-12-03. Review status: criteria provided, single submitter. Criteria: ICSLVariantClassificationCriteria RUGD 01 April 2020. Collection method: clinical testing. Allele origin: unknown.
Comment: The LAMC3 c.4051C>T p.(Arg1351Trp) missense variant has not, to our knowledge, been reported in the peer-reviewed literature. The highest frequency of this allele in the Genome Aggregation Database is 0.000039 in the European (non-Finnish) population(version 2.1.1). Based on the limited evidence, the c.4051C>T p.(Arg1351Trp variant is classified as a variant of uncertain significance for cortical malformations, occipital.

NM_006059.4(LAMC3):c.4051C>T (p.Arg1351Trp)

Gene: LAMC3 (laminin subunit gamma 3; plus strand). Cytogenetic location: 9q34.12.
Variant type: single nucleotide variant.
Coding change: c.4051C>T on transcript NM_006059.4 (MANE Select); coding-DNA position 4051, C replaced by T.
Protein change: p.Arg1351Trp; replaces arginine 1351 with tryptophan.
Molecular consequence: missense variant.
Genome position (GRCh38, 1-based): chr9:131,085,544, C>T. VCF-style: chr9-131085544-C-T. GRCh37 (hg19) VCF-style: chr9-133960931-C-T.
Other names: short protein forms R1351W.
Identifiers: ClinVar variation 1520992 (VCV001520992.5), dbSNP rs749904181, ClinGen allele CA5288039.